The following is an entry in ClinVar:

NM_001203.3(BMPR1B):c.734C>G (p.Thr245Arg)

Gene: BMPR1B (bone morphogenetic protein receptor type 1B; plus strand). Cytogenetic location: 4q22.3.
Variant type: single nucleotide variant.
Coding change: c.734C>G on transcript NM_001203.3 (MANE Select); coding-DNA position 734, C replaced by G.
Protein change: p.Thr245Arg; replaces threonine 245 with arginine.
Molecular consequence: missense variant.
Genome position (GRCh38, 1-based): chr4:95,130,010, C>G. VCF-style: chr4-95130010-C-G. GRCh37 (hg19) VCF-style: chr4-96051161-C-G.
Other names: c.734C>G, p.Thr245Arg (NM_001256792.2, NM_001256794.1); c.824C>G, p.Thr275Arg (NM_001256793.2); short protein forms T245R, T275R.
Identifiers: ClinVar variation 5033051 (VCV005033051.1).

ClinVar aggregate classification (germline): Uncertain significance (1 of 4 stars; one submission).

Conditions:
Inborn genetic diseases. Identifiers: MedGen C0950123, MeSH D030342.

gnomAD v4.1: 14 of 1,613,934 alleles (0.00087%); highest among the groups gnomAD compares: Non-Finnish European, 0.0012%; no homozygotes.

Submission:

Ambry Genetics
Classification: Uncertain significance for Inborn genetic diseases. Last evaluated: 2026-07-23. Review status: criteria provided, single submitter. Criteria: Ambry Variant Classification Scheme 2023. Collection method: clinical testing. Allele origin: germline.
Comment: The c.734C>G (p.T245R) alteration is located in exon 9 (coding exon 6) of the BMPR1B gene. This alteration results from a C to G substitution at nucleotide position 734, causing the threonine (T) at amino acid position 245 to be replaced by an arginine (R). Based on data from gnomAD, the G allele has an overall frequency of <0.001% (1/251358) total alleles studied. The highest observed frequency was 0.001% (1/113716) of European (non-Finnish) alleles. Based on insufficient or conflicting evidence, the clinical significance of this alteration remains unclear.